The following is an entry in ClinVar:

ClinVar aggregate classification (germline): Conflicting classifications of pathogenicity. Review status: criteria provided, conflicting classifications (1 of 4 stars). 4 submissions from 4 submitters: Uncertain significance (2); Likely benign (2). Last evaluated 2026-01-17.

Conditions:
SPG11-related disorder. Also called: SPG11-related condition.
Hereditary spastic paraplegia 11. Also called: Spastic paraplegia, mental retardation and thin corpus callosum; Spastic Paraplegia 11; Nakamura Osame syndrome; Autosomal recessive hereditary spastic paraplegia, mental impairment, and thin corpus callosum; SPASTIC PARAPLEGIA, AUTOSOMAL RECESSIVE, COMPLICATED, WITH THIN CORPUS CALLOSUM; SPASTIC PARAPLEGIA, AUTOSOMAL RECESSIVE, WITH MENTAL IMPAIRMENT AND THIN CORPUS CALLOSUM. Identifiers: Orphanet 2822, MedGen C1858479, MONDO:0011445, OMIM 604360.
Hereditary spastic paraplegia. Also called: Familial spastic paraparesis. Identifiers: Orphanet 685, MedGen C0037773, MONDO:0019064. Disease mechanism: loss of function.
Inborn genetic diseases. Identifiers: MedGen C0950123, MeSH D030342.

Allele frequency attached by ClinVar (database versions not stated): ExAC 0.00005; gnomAD 0.00006; gnomAD exomes 0.00009 and 0.00002; 1000 Genomes Project 30x 0.00031; TOPMed 0.00003.

Submissions (4):

Labcorp Genetics (formerly Invitae), Labcorp
Classification: Likely benign for Hereditary spastic paraplegia 11. Last evaluated: 2026-01-17. Review status: criteria provided, single submitter. Criteria: Invitae Variant Classification Sherloc (09022015). Collection method: clinical testing. Allele origin: germline.

PreventionGenetics, part of Exact Sciences
Classification: Likely benign for SPG11-related condition. Last evaluated: 2025-03-07. Review status: criteria provided, single submitter. Criteria: ACMG Guidelines, 2015. Collection method: clinical testing. Allele origin: germline.
Comment: This variant is classified as likely benign based on ACMG/AMP sequence variant interpretation guidelines (Richards et al. 2015 PMID: 25741868, with internal and published modifications).

Ambry Genetics
Classification: Uncertain significance for Inborn genetic diseases. Last evaluated: 2024-02-02. Review status: criteria provided, single submitter. Criteria: Ambry Variant Classification Scheme 2023. Collection method: clinical testing. Allele origin: germline.
Comment: The c.6478-4delA alteration is located 4 nucleotides before exon 35 of the SPG11 gene. This alteration consists of a deletion of 1 nucleotides at nucleotide position c.6478-4. Based on insufficient or conflicting evidence, the clinical significance of this alteration remains unclear.

Genome Diagnostics Laboratory, The Hospital for Sick Children
Classification: Uncertain significance for Hereditary spastic paraplegia. Last evaluated: 2020-03-01. Review status: criteria provided, single submitter. Criteria: ACMG Guidelines, 2015. Collection method: clinical testing. Allele origin: germline. Affected: yes.

NM_025137.4(SPG11):c.6478-4del

Gene: SPG11 (SPG11 vesicle trafficking associated, spatacsin; minus strand). Cytogenetic location: 15q21.1.
Variant type: Deletion.
Coding change: c.6478-4del on transcript NM_025137.4 (MANE Select); 4 bases into the intron before coding-DNA position 6478, one base deleted (A; older notation c.6478-4delA).
Molecular consequence: intron variant.
Genome position (GRCh38, 1-based): chr15:44,569,509, T deleted on the plus strand (A on the coding strand, the reverse complement: SPG11 is on the minus strand). VCF-style (leftmost placement, unchanged base first): chr15-44569508-GT-G. GRCh37 (hg19) VCF-style: chr15-44861706-GT-G.
Other names: c.6139-4del (NM_001160227.2).
Identifiers: ClinVar variation 1153532 (VCV001153532.15), dbSNP rs779032507, ClinGen allele CA7534102.
Genomic context (GRCh38, chr15:44,569,508, plus strand): 5'-GCAAATCAAATATGTATGTCATCTCGTTGTACCTTCCAATGCCAGTGAGGAGCCGTACCT[GT>G]GAAGTGGGAGGACAGCTCGCATCAGCATCACCTGGAGTCTGGAGTTCTCTGAGCCAGACA-3'